The following is an entry in ClinVar:

NM_000540.3(RYR1):c.7211A>G (p.Glu2404Gly)

Gene: RYR1 (ryanodine receptor 1; plus strand). Cytogenetic location: 19q13.2.
Variant type: single nucleotide variant.
Coding change: c.7211A>G on transcript NM_000540.3 (MANE Select); coding-DNA position 7211, A replaced by G.
Protein change: p.Glu2404Gly; replaces glutamic acid 2404 with glycine.
Molecular consequence: missense variant.
Genome position (GRCh38, 1-based): chr19:38,499,818, A>G. VCF-style: chr19-38499818-A-G. GRCh37 (hg19) VCF-style: chr19-38990458-A-G.
Other names: c.7211A>G, p.Glu2404Gly (NM_001042723.2); short protein forms E2404G.
Identifiers: ClinVar variation 3385443 (VCV003385443.1).

ClinVar aggregate classification (germline): Uncertain significance (1 of 4 stars; one submission).

Conditions:
Malignant hyperthermia, susceptibility to, 1 (MHS1). Also called: Anesthesia related hyperthermia; Malignant hyperpyrexia; Fulminating hyperpyrexia; Pharmacogenic myopathy; Malignant hyperthermia suceptibility 1; RYR1-Related Malignant Hyperthermia Susceptibility. Identifiers: Orphanet 423, MedGen C2930980, MONDO:0007783, OMIM 145600.

Submission:

All of Us Research Program, National Institutes of Health
Classification: Uncertain significance for Malignant hyperthermia, susceptibility to, 1. Last evaluated: 2024-05-14. Review status: criteria provided, single submitter. Criteria: ACMG Guidelines, 2015. Collection method: clinical testing. Allele origin: germline. Inheritance: Autosomal dominant inheritance. Observed: 1 variant allele, 1 heterozygote.
Comment: This missense variant replaces glutamic acid with glycine at codon 2404 of the RYR1 protein. Computational prediction is inconclusive regarding the impact of this variant on protein structure and function. To our knowledge, functional studies have not been reported for this variant. This variant has not been reported in individuals affected with RYR1-related disorders in the literature. This variant has not been identified in the general population by the Genome Aggregation Database (gnomAD). The available evidence is insufficient to determine the role of this variant in disease conclusively. Therefore, this variant is classified as a Variant of Uncertain Significance.

This study involves interpretation of variants in research participants for the purpose of population health screening. Participant phenotype was not available at the time of variant classification. Additional details can be found in publication PMID: 35346344, PMCID: PMC8962531